The following is an entry in ClinVar:

NM_003070.5(SMARCA2):c.*726T>C

Gene: SMARCA2 (SWI/SNF related BAF chromatin remodeling complex subunit ATPase 2; plus strand). Cytogenetic location: 9p24.3.
Variant type: single nucleotide variant.
Coding change: c.*726T>C on transcript NM_003070.5 (MANE Select); 726 bases downstream of the stop codon, T replaced by C.
Molecular consequence: 3 prime UTR variant.
Genome position (GRCh38, 1-based): chr9:2,193,465, T>C. VCF-style: chr9-2193465-T-C. GRCh37 (hg19) VCF-style: chr9-2193465-T-C.
Other names: c.*726T>C (NM_001289396.2, NM_001289397.2, NM_001289398.2 and 3 more transcripts).
Identifiers: ClinVar variation 366343 (VCV000366343.5), dbSNP rs28374302, ClinGen allele CA10627112.

ClinVar aggregate classification (germline): Benign (1 of 4 stars; one submission).

Conditions:
Nicolaides-Baraitser syndrome (NCBRS). Also called: SMARCA2-Related Nicolaides-Baraitser Syndrome; Intellectual disability-sparse hair-brachydactyly syndrome. Identifiers: Orphanet 3051, MedGen C1303073, MONDO:0011053, OMIM 601358.

Allele frequency attached by ClinVar (database versions not stated): 1000 Genomes Project 0.00479; gnomAD 0.00544 and 0.00597; 1000 Genomes Project 30x 0.00547; TOPMed 0.00628.

Submission:

Illumina Laboratory Services, Illumina
Classification: Benign for Nicolaides-Baraitser syndrome. Last evaluated: 2018-01-13. Review status: criteria provided, single submitter. Criteria: ICSL Variant Classification Criteria 13 December 2019. Collection method: clinical testing. Allele origin: germline.
Comment: This variant was observed in the ICSL laboratory as part of a predisposition screen in an ostensibly healthy population. It had not been previously curated by ICSL or reported in the Human Gene Mutation Database (HGMD: prior to June 1st, 2018), and was therefore a candidate for classification through an automated scoring system. Utilizing variant allele frequency, disease prevalence and penetrance estimates, and inheritance mode, an automated score was calculated to assess if this variant is too frequent to cause the disease. Based on the score and internal cut-off values, a variant classified as benign is not then subjected to further curation. The score for this variant resulted in a classification of benign for this disease.